The following is an entry in ClinVar:

NM_199420.4(POLQ):c.2449A>C (p.Thr817Pro)

Gene: POLQ (DNA polymerase theta; minus strand). Cytogenetic location: 3q13.33.
Variant type: single nucleotide variant.
Coding change: c.2449A>C on transcript NM_199420.4 (MANE Select); coding-DNA position 2449, A replaced by C.
Protein change: p.Thr817Pro; replaces threonine 817 with proline.
Molecular consequence: missense variant.
Genome position (GRCh38, 1-based): chr3:121,493,551, T>G on the plus strand (A>C on the coding strand, the complement: POLQ is on the minus strand). VCF-style: chr3-121493551-T-G. GRCh37 (hg19) VCF-style: chr3-121212398-T-G.
Other names: short protein forms T817P.
Identifiers: ClinVar variation 3308677 (VCV003308677.1).

ClinVar aggregate classification (germline): Uncertain significance (1 of 4 stars; one submission).

Submission:

Ambry Genetics
Classification: Uncertain significance. Last evaluated: 2024-05-09. Review status: criteria provided, single submitter. Criteria: Ambry Variant Classification Scheme 2023. Collection method: clinical testing. Allele origin: germline.
Comment: The p.T817P variant (also known as c.2449A>C), located in coding exon 15 of the POLQ gene, results from an A to C substitution at nucleotide position 2449. The threonine at codon 817 is replaced by proline, an amino acid with highly similar properties. This amino acid position is conserved. In addition, the in silico prediction for this alteration is inconclusive. Based on the available evidence, the clinical significance of this variant remains unclear.